The following is an entry in ClinVar:

NM_000038.6(APC):c.2507C>G (p.Ser836Ter)

Gene: APC (APC regulator of Wnt signaling pathway; plus strand). Cytogenetic location: 5q22.2.
Variant type: single nucleotide variant.
Coding change: c.2507C>G on transcript NM_000038.6 (MANE Select); coding-DNA position 2507, C replaced by G.
Protein change: p.Ser836Ter; replaces serine 836 with a stop codon.
Molecular consequence: nonsense. On other transcripts: non-coding transcript variant (2).
Genome position (GRCh38, 1-based): chr5:112,838,101, C>G. VCF-style: chr5-112838101-C-G. GRCh37 (hg19) VCF-style: chr5-112173798-C-G.
Other names: c.2507C>G, p.Ser836Ter (NM_001127510.3, NM_001354895.2, NM_001407450.1); c.2453C>G, p.Ser818Ter (NM_001127511.3); c.2561C>G, p.Ser854Ter (NM_001354896.2, NM_001407447.1, NM_001407448.1 and 1 more transcripts); c.2537C>G, p.Ser846Ter (NM_001354897.2); c.2432C>G, p.Ser811Ter (NM_001354898.2); c.2423C>G, p.Ser808Ter (NM_001354899.2); c.2384C>G, p.Ser795Ter (NM_001354900.2); c.2330C>G, p.Ser777Ter (NM_001354901.2, NM_001407453.1); and 11 more; short protein forms S452*, S553*, S676*, S707*, S710*, S735*, S745*, S753*.
Identifiers: ClinVar variation 2583262 (VCV002583262.1), dbSNP rs1580623270, ClinGen allele CA16026827.

ClinVar aggregate classification (germline): Pathogenic (1 of 4 stars; one submission).

Conditions:
Familial adenomatous polyposis 1 (FAP1). Also called: POLYPOSIS, ADENOMATOUS INTESTINAL; FAMILIAL ADENOMATOUS POLYPOSIS 1, ATTENUATED. Identifiers: MedGen C2713442, MONDO:0021056, OMIM 175100. Disease mechanism: loss of function.

Submission:

Myriad Genetics, Inc.
Classification: Pathogenic for Familial adenomatous polyposis 1. Last evaluated: 2023-05-04. Review status: criteria provided, single submitter. Criteria: Myriad Autosomal Dominant, Autosomal Recessive and X-Linked Classification Criteria (2023). Collection method: clinical testing. Allele origin: unknown.
Comment: This variant is considered pathogenic. This variant creates a termination codon and is predicted to result in premature protein truncation.